The following is an entry in ClinVar:

NM_001042492.3(NF1):c.4526_4533del (p.Arg1509fs)

Gene: NF1 (neurofibromin 1; plus strand). Cytogenetic location: 17q11.2.
Variant type: Deletion.
Coding change: c.4526_4533del on transcript NM_001042492.3 (MANE Select); coding-DNA positions 4526 to 4533, 8 bases deleted (GTCTACTC; older notation c.4526_4533delGTCTACTC).
Protein change: p.Arg1509fs; shifts the reading frame from arginine 1509.
Molecular consequence: frameshift variant.
Genome position (GRCh38, 1-based): chr17:31,260,464-31,260,471, GTCTACTC deleted; deleting any 8 consecutive bases within chr17:31,260,462-31,260,471 gives the same sequence; the c. name uses the placement nearest the transcript's 3' end. VCF-style (leftmost placement, unchanged base first): chr17-31260461-ATCGTCTAC-A. GRCh37 (hg19) VCF-style: chr17-29587479-ATCGTCTAC-A.
Other names: c.4463_4470delGTCTACTC (NM_000267.3); c.4463_4470delGTCTACTC, p.Arg1488Leufs (NM_000267.4); short protein forms R1488fs, R1509fs.
Identifiers: ClinVar variation 3404927 (VCV003404927.3).

ClinVar aggregate classification (germline): Pathogenic. Review status: criteria provided, multiple submitters, no conflicts (2 of 4 stars). 2 submissions from 2 submitters: Pathogenic (2). Last evaluated 2024-12-06.

Conditions:
Hereditary cancer-predisposing syndrome. Also called: Hereditary Cancer Syndrome; Hereditary neoplastic syndrome; Neoplastic Syndromes, Hereditary; Tumor predisposition. Identifiers: Orphanet 140162, MedGen C0027672, MeSH D009386, MONDO:0015356.
Cardiovascular phenotype. Identifiers: MedGen CN230736.
Neurofibromatosis, type 1 (NF1). Also called: NEUROFIBROMATOSIS, TYPE I, SOMATIC; Neurofibromatosis, type I; Peripheral type neurofibromatosis; VON RECKLINGHAUSEN DISEASE. Identifiers: Orphanet 636, MedGen C0027831, MONDO:0018975, OMIM 162200. Disease mechanism: loss of function.

Submissions (2):

Ambry Genetics
Classification: Pathogenic for Cardiovascular phenotype; Hereditary cancer-predisposing syndrome. Last evaluated: 2024-12-06. Review status: criteria provided, single submitter. Criteria: Ambry Variant Classification Scheme 2023. Collection method: clinical testing. Allele origin: germline.
Comment: The c.4463_4470delGTCTACTC pathogenic mutation, located in coding exon 33 of the NF1 gene, results from a deletion of 8 nucleotides at nucleotide positions 4463 to 4470, causing a translational frameshift with a predicted alternate stop codon (p.R1488Lfs*18). This variant is considered to be rare based on population cohorts in the Genome Aggregation Database (gnomAD). This alteration is expected to result in loss of function by premature protein truncation or nonsense-mediated mRNA decay. As such, this alteration is interpreted as a disease-causing mutation.

Labcorp Genetics (formerly Invitae), Labcorp
Classification: Pathogenic for Neurofibromatosis, type 1. Last evaluated: 2024-02-09. Review status: criteria provided, single submitter. Criteria: Invitae Variant Classification Sherloc (09022015). Collection method: clinical testing. Allele origin: germline.
Comment: This sequence change creates a premature translational stop signal (p.Arg1488Leufs*18) in the NF1 gene. It is expected to result in an absent or disrupted protein product. Loss-of-function variants in NF1 are known to be pathogenic (PMID: 10712197, 23913538). This variant is not present in population databases (gnomAD no frequency). This variant has not been reported in the literature in individuals affected with NF1-related conditions. For these reasons, this variant has been classified as Pathogenic.

Literature cited by the submitters: PubMed 10712197 (cited by Labcorp Genetics (formerly Invitae), Labcorp); PubMed 23913538 (cited by Labcorp Genetics (formerly Invitae), Labcorp).